The following is an entry in ClinVar:

ClinVar aggregate classification (germline): Uncertain significance. Review status: criteria provided, multiple submitters, no conflicts (2 of 4 stars). 4 submissions from 4 submitters: Uncertain significance (4). Last evaluated 2026-04-08.

Conditions:
Autoinflammatory syndrome. Identifiers: Orphanet 93665, MedGen C3890737, MONDO:0019751.
Regional enteritis. Also called: Enteritis, Granulomatous. Identifiers: MedGen C0678202, MeSH D003424.
Blau syndrome (BLAUS). Also called: GRANULOMATOSIS, FAMILIAL JUVENILE SYSTEMIC; GRANULOMATOSIS, FAMILIAL, BLAU TYPE; GRANULOMATOUS INFLAMMATORY ARTHRITIS, DERMATITIS, AND UVEITIS, FAMILIAL; JABS SYNDROME; ARTHROCUTANEOUVEAL GRANULOMATOSIS. Identifiers: Orphanet 90340, MedGen C5201146, MONDO:0008523, OMIM 186580.

Allele frequency attached by ClinVar (database versions not stated): gnomAD exomes below 0.00001; gnomAD 0.00003 and 0.00004; TOPMed 0.00005.
gnomAD v4.1: 42 of 1,612,998 alleles (0.0026%); highest among the groups gnomAD compares: Middle Eastern, 0.049%; no homozygotes.

Submissions (4):

Dasa
Classification: Uncertain significance. Last evaluated: 2026-04-08. Review status: criteria provided, single submitter. Criteria: DASA Assertion Criteria. Collection method: clinical testing. Allele origin: germline.
Comment: NM_001370466.1(NOD2):c.2917G>A (p.Ala973Thr) is a missense variant that results in the substitution of alanine with threonine. This variant is rare in population databases. The currently available literature and clinical evidence are not sufficient to establish a definitive association between this variant and the reported condition. Therefore, this variant is classified as a variant of uncertain significance.

Labcorp Genetics (formerly Invitae), Labcorp
Classification: Uncertain significance for Regional enteritis; Blau syndrome. Last evaluated: 2025-09-04. Review status: criteria provided, single submitter. Criteria: Invitae Variant Classification Sherloc (09022015). Collection method: clinical testing. Allele origin: germline.
Comment: This sequence change replaces alanine, which is neutral and non-polar, with threonine, which is neutral and polar, at codon 1000 of the NOD2 protein (p.Ala1000Thr). This variant is present in population databases (no rsID available, gnomAD 0.002%). This variant has not been reported in the literature in individuals affected with NOD2-related conditions. ClinVar contains an entry for this variant (Variation ID: 648165). Invitae Evidence Modeling of protein sequence and biophysical properties (such as structural, functional, and spatial information, amino acid conservation, physicochemical variation, residue mobility, and thermodynamic stability) indicates that this missense variant is not expected to disrupt NOD2 protein function with a negative predictive value of 95%. In summary, the available evidence is currently insufficient to determine the role of this variant in disease. Therefore, it has been classified as a Variant of Uncertain Significance.

Blueprint Genetics
Classification: Uncertain significance. Last evaluated: 2024-09-16. Review status: criteria provided, single submitter. Criteria: ACMG Guidelines, 2015. Collection method: clinical testing. Allele origin: germline.

Genome Diagnostics Laboratory, The Hospital for Sick Children
Classification: Uncertain significance for Autoinflammatory syndrome. Last evaluated: 2018-06-01. Review status: criteria provided, single submitter. Criteria: ACMG Guidelines, 2015. Collection method: clinical testing. Allele origin: germline. Affected: yes.

NM_001370466.1(NOD2):c.2917G>A (p.Ala973Thr)

Genes: CYLD-AS1 (CYLD antisense RNA 1; minus strand), NOD2 (nucleotide binding oligomerization domain containing 2; plus strand). Cytogenetic location: 16q12.1.
Variant type: single nucleotide variant.
Coding change: c.2917G>A on transcript NM_001370466.1 (MANE Select); coding-DNA position 2917, G replaced by A.
Protein change: p.Ala973Thr; replaces alanine 973 with threonine.
Molecular consequence: missense variant. On other transcripts: non-coding transcript variant (1).
Genome position (GRCh38, 1-based): chr16:50,729,849, G>A. VCF-style: chr16-50729849-G-A. GRCh37 (hg19) VCF-style: chr16-50763760-G-A.
Other names: c.2917G>A, p.Ala973Thr (NM_001293557.2); c.2998G>A, p.Ala1000Thr (NM_022162.3); short protein forms A973T, A1000T.
Identifiers: ClinVar variation 648165 (VCV000648165.15), dbSNP rs1282634444, ClinGen allele CA395876750.